The following is an entry in ClinVar:

ClinVar aggregate classification (germline): Uncertain significance (1 of 4 stars; one submission).

Conditions:
Developmental and epileptic encephalopathy, 2 (DEE2). Also called: INFANTILE SPASM SYNDROME, X-LINKED 2; CDKL5 deficiency disorder. Identifiers: Orphanet 1934, Orphanet 3451, Orphanet 505652, MedGen C4750718, MONDO:0010396, OMIM 300672.
Angelman syndrome-like. Identifiers: MedGen CN128785.

Allele frequency attached by ClinVar (database versions not stated): gnomAD exomes 0.00001.
gnomAD v4.1: 7 of 1,210,320 alleles (0.00058%); highest among the groups gnomAD compares: Non-Finnish European, 0.00078%; no homozygotes.

Submission:

Labcorp Genetics (formerly Invitae), Labcorp
Classification: Uncertain significance for Developmental and epileptic encephalopathy, 2; Angelman syndrome-like. Last evaluated: 2024-02-02. Review status: criteria provided, single submitter. Criteria: Invitae Variant Classification Sherloc (09022015). Collection method: clinical testing. Allele origin: germline.
Comment: This sequence change replaces histidine, which is basic and polar, with tyrosine, which is neutral and polar, at codon 338 of the CDKL5 protein (p.His338Tyr). This variant is present in population databases (rs749986393, gnomAD 0.001%). This variant has not been reported in the literature in individuals affected with CDKL5-related conditions. ClinVar contains an entry for this variant (Variation ID: 2097961). Advanced modeling of protein sequence and biophysical properties (such as structural, functional, and spatial information, amino acid conservation, physicochemical variation, residue mobility, and thermodynamic stability) has been performed at Invitae for this missense variant, however the output from this modeling did not meet the statistical confidence thresholds required to predict the impact of this variant on CDKL5 protein function. In summary, the available evidence is currently insufficient to determine the role of this variant in disease. Therefore, it has been classified as a Variant of Uncertain Significance.

NM_001323289.2(CDKL5):c.1012C>T (p.His338Tyr)

Gene: CDKL5 (cyclin dependent kinase like 5; plus strand). Cytogenetic location: Xp22.13.
Variant type: single nucleotide variant.
Coding change: c.1012C>T on transcript NM_001323289.2 (MANE Select); coding-DNA position 1012, C replaced by T.
Protein change: p.His338Tyr; replaces histidine 338 with tyrosine.
Molecular consequence: missense variant.
Genome position (GRCh38, 1-based): chrX:18,603,936, C>T. VCF-style: chrX-18603936-C-T. GRCh37 (hg19) VCF-style: chrX-18622056-C-T.
Other names: c.1012C>T, p.His338Tyr (NM_001037343.2, NM_003159.3); short protein forms H338Y.
Identifiers: ClinVar variation 2097961 (VCV002097961.4), dbSNP rs749986393, ClinGen allele CA10360336.